The following is an entry in ClinVar:

NM_020754.4(ARHGAP31):c.2101A>C (p.Ser701Arg)

Gene: ARHGAP31 (Rho GTPase activating protein 31; plus strand). Cytogenetic location: 3q13.33.
Variant type: single nucleotide variant.
Coding change: c.2101A>C on transcript NM_020754.4 (MANE Select); coding-DNA position 2101, A replaced by C.
Protein change: p.Ser701Arg; replaces serine 701 with arginine.
Molecular consequence: missense variant.
Genome position (GRCh38, 1-based): chr3:119,414,030, A>C. VCF-style: chr3-119414030-A-C. GRCh37 (hg19) VCF-style: chr3-119132877-A-C.
Other names: short protein forms S701R.
Identifiers: ClinVar variation 4536482 (VCV004536482.1).

ClinVar aggregate classification (germline): Uncertain significance (1 of 4 stars; one submission).

Submission:

GeneDx
Classification: Uncertain significance. Last evaluated: 2025-06-06. Review status: criteria provided, single submitter. Criteria: GeneDx Variant Classification Process June 2021. Collection method: clinical testing. Allele origin: germline. Affected: yes.
Comment: Not observed at significant frequency in large population cohorts (gnomAD); In silico analysis suggests that this missense variant does not alter protein structure/function; Has not been previously published as pathogenic or benign to our knowledge